The following is an entry in ClinVar:

NM_001290060.2(SEMA3B):c.1046G>A (p.Arg349Gln)

Gene: SEMA3B (semaphorin 3B; plus strand). Cytogenetic location: 3p21.31.
Variant type: single nucleotide variant.
Coding change: c.1046G>A on transcript NM_001290060.2 (MANE Select); coding-DNA position 1046, G replaced by A.
Protein change: p.Arg349Gln; replaces arginine 349 with glutamine.
Molecular consequence: missense variant.
Genome position (GRCh38, 1-based): chr3:50,273,966, G>A. VCF-style: chr3-50273966-G-A. GRCh37 (hg19) VCF-style: chr3-50311397-G-A.
Other names: c.1043G>A, p.Arg348Gln (NM_001005914.3); c.1061G>A, p.Arg354Gln (NM_001290061.1); c.17G>A, p.Arg6Gln (NM_001290062.2, NM_001290063.2); c.1046G>A, p.Arg349Gln (NM_004636.4); short protein forms R348Q, R349Q, R354Q, R6Q.
Identifiers: ClinVar variation 3029673 (VCV003029673.2), dbSNP rs782693219, ClinGen allele CA2413944.
Genomic context (GRCh38, chr3:50,273,966, plus strand): 5'-CCTCCAGCAGCATCTTCCAGGGCTCTGCGGTGTGCGTGTACAGCATGAACGACGTGCGCC[G>A]GGCCTTCTTGGGACCCTTTGCACACAAGGAGGGGCCCATGCACCAGTGGGTGTCATACCA-3'
Protein context (NP_001276989.1, residues 339-359): VCVYSMNDVR[Arg349Gln]AFLGPFAHKE

ClinVar aggregate classification (germline): Likely benign (0 of 4 stars; one submission).

Conditions:
SEMA3B-related disorder. Also called: SEMA3B-related condition.

Allele frequency attached by ClinVar (database versions not stated): gnomAD exomes 0.00008; gnomAD 0.00003; ExAC 0.00015; TOPMed below 0.00001.

Submission:

PreventionGenetics, part of Exact Sciences
Classification: Likely benign for SEMA3B-related condition. Last evaluated: 2022-02-04. Review status: no assertion criteria provided. Collection method: clinical testing. Allele origin: germline.
Comment: This variant is classified as likely benign based on ACMG/AMP sequence variant interpretation guidelines (Richards et al. 2015 PMID: 25741868, with internal and published modifications).